The following is an entry in ClinVar:

ClinVar aggregate classification (germline): Uncertain significance (1 of 4 stars; one submission).

Submission:

GeneDx
Classification: Uncertain significance. Last evaluated: 2025-07-11. Review status: criteria provided, single submitter. Criteria: GeneDx Variant Classification Process June 2021. Collection method: clinical testing. Allele origin: germline. Affected: yes.
Comment: Not observed at significant frequency in large population cohorts (gnomAD); In silico analysis suggests that this missense variant does not alter protein structure/function; Has not been previously published as pathogenic or benign to our knowledge

NM_005444.3(CNOT9):c.892C>A (p.Pro298Thr)

Gene: CNOT9 (CCR4-NOT transcription complex subunit 9; plus strand). Cytogenetic location: 2q35.
Variant type: single nucleotide variant.
Coding change: c.892C>A on transcript NM_005444.3 (MANE Select); coding-DNA position 892, C replaced by A.
Protein change: p.Pro298Thr; replaces proline 298 with threonine.
Molecular consequence: missense variant. On other transcripts: non-coding transcript variant (1).
Genome position (GRCh38, 1-based): chr2:218,594,268, C>A. VCF-style: chr2-218594268-C-A. GRCh37 (hg19) VCF-style: chr2-219458991-C-A.
Other names: c.988C>A, p.Pro330Thr (NM_001271634.2); short protein forms P298T, P330T.
Identifiers: ClinVar variation 4685404 (VCV004685404.1).